The following is an entry in ClinVar:

ClinVar aggregate classification (germline): Conflicting classifications of pathogenicity. Review status: criteria provided, conflicting classifications (1 of 4 stars). 3 submissions from 3 submitters: Uncertain significance (1); Likely benign (1). 1 of the submissions does not count toward it. Last evaluated 2026-01-21.

Conditions:
SNIP1-related disorder. Also called: SNIP1-related condition.

Allele frequency attached by ClinVar (database versions not stated): ExAC 0.00069; gnomAD 0.00215 and 0.00231; gnomAD exomes 0.00020 and 0.00061; 1000 Genomes Project 30x 0.00219; 1000 Genomes Project 0.00220; TOPMed 0.00270; ESP Exome Variant Server 0.00331.
gnomAD v4.1: 630 of 1,614,088 alleles (0.039%); highest among the groups gnomAD compares: African/African-American, 0.74%; 1 homozygote.

Submissions (3):

Labcorp Genetics (formerly Invitae), Labcorp
Classification: Likely benign. Last evaluated: 2026-01-21. Review status: criteria provided, single submitter. Criteria: Invitae Variant Classification Sherloc (09022015). Collection method: clinical testing. Allele origin: germline.

Ambry Genetics
Classification: Uncertain significance. Last evaluated: 2025-10-17. Review status: criteria provided, single submitter. Criteria: Ambry Variant Classification Scheme 2023. Collection method: clinical testing. Allele origin: germline.

PreventionGenetics, part of Exact Sciences
Classification: Benign for SNIP1-related condition. Last evaluated: 2019-12-17. Review status: no assertion criteria provided. Collection method: clinical testing. Allele origin: germline. Not counted in ClinVar's aggregate classification.
Comment: This variant is classified as benign based on ACMG/AMP sequence variant interpretation guidelines (Richards et al. 2015 PMID: 25741868, with internal and published modifications).

NM_024700.4(SNIP1):c.579T>G (p.Asn193Lys)

Genes: SNIP1 (Smad nuclear interacting protein 1; minus strand), LOC126805704 (BRD4-independent group 4 enhancer GRCh37_chr1:38005292-38006491; plus strand). Cytogenetic location: 1p34.3.
Variant type: single nucleotide variant.
Coding change: c.579T>G on transcript NM_024700.4 (MANE Select); coding-DNA position 579, T replaced by G.
Protein change: p.Asn193Lys; replaces asparagine 193 with lysine.
Molecular consequence: missense variant.
Genome position (GRCh38, 1-based): chr1:37,540,504, A>C on the plus strand (T>G on the coding strand, the complement: SNIP1 is on the minus strand). VCF-style: chr1-37540504-A-C. GRCh37 (hg19) VCF-style: chr1-38006105-A-C.
Other names: c.579T>G (NM_024700.2); short protein forms N193K.
Identifiers: ClinVar variation 766811 (VCV000766811.12), dbSNP rs61745973, ClinGen allele CA771303.